The following is an entry in ClinVar:

NM_000214.3(JAG1):c.1609G>A (p.Gly537Ser)

Gene: JAG1 (jagged canonical Notch ligand 1; minus strand). Cytogenetic location: 20p12.2.
Variant type: single nucleotide variant.
Coding change: c.1609G>A on transcript NM_000214.3 (MANE Select); coding-DNA position 1609, G replaced by A.
Protein change: p.Gly537Ser; replaces glycine 537 with serine.
Molecular consequence: missense variant.
Genome position (GRCh38, 1-based): chr20:10,648,071, C>T on the plus strand (G>A on the coding strand, the complement: JAG1 is on the minus strand). VCF-style: chr20-10648071-C-T. GRCh37 (hg19) VCF-style: chr20-10628719-C-T.
Other names: c.1609G>A, p.Gly537Ser (LRG_1191t1); short protein forms G537S.
Identifiers: ClinVar variation 546152 (VCV000546152.14), dbSNP rs756787187, ClinGen allele CA9764802.
Genomic context (GRCh38, chr20:10,648,071, plus strand): 5'-CCTCATAGTCCTCGGGGCACTTGCAGAAATAGTCACTGGCACGGTTGTAGCACTGGGCAC[C>T]GTTCTGGCAGGGATTAGGCTCACAATAATCGATGTCCAGCTGCAAATATCAGGAACAGCG-3'
Protein context (NP_000205.1, residues 527-547): DYCEPNPCQN[Gly537Ser]AQCYNRASDY

ClinVar aggregate classification (germline): Conflicting classifications of pathogenicity. Review status: criteria provided, conflicting classifications (1 of 4 stars). 5 submissions from 5 submitters: Uncertain significance (4); Likely benign (1). Last evaluated 2024-11-26.

Conditions:
Alagille syndrome due to a JAG1 point mutation. Also called: JAG1-Related Alagille Syndrome; Alagille Syndrome 1; HEPATIC DUCTULAR HYPOPLASIA, SYNDROMATIC. Identifiers: Orphanet 261619, Orphanet 52, MedGen C1956125, MONDO:0016862, OMIM 118450.
Cardiovascular phenotype. Identifiers: MedGen CN230736.

Allele frequency attached by ClinVar (database versions not stated): gnomAD exomes 0.00001 and 0.00002; ExAC 0.00002; gnomAD 0.00003 and 0.00004; TOPMed 0.00006.
gnomAD v4.1: 19 of 1,614,022 alleles (0.0012%); highest among the groups gnomAD compares: African/African-American, 0.016%; no homozygotes.

Submissions (5):

Labcorp Genetics (formerly Invitae), Labcorp
Classification: Likely benign for Alagille syndrome due to a JAG1 point mutation. Last evaluated: 2024-11-26. Review status: criteria provided, single submitter. Criteria: Invitae Variant Classification Sherloc (09022015). Collection method: clinical testing. Allele origin: germline.

Blueprint Genetics
Classification: Uncertain significance. Last evaluated: 2024-01-12. Review status: criteria provided, single submitter. Criteria: ACMG Guidelines, 2015. Collection method: clinical testing. Allele origin: germline.

AiLife Diagnostics
Classification: Uncertain significance. Last evaluated: 2022-02-02. Review status: criteria provided, single submitter. Criteria: ACMG Guidelines, 2015. Collection method: clinical testing. Allele origin: germline. Affected: yes. Observed: 1 variant allele.

Ambry Genetics
Classification: Uncertain significance for Cardiovascular phenotype. Last evaluated: 2021-10-21. Review status: criteria provided, single submitter. Criteria: Ambry Variant Classification Scheme 2023. Collection method: clinical testing. Allele origin: germline.
Comment: The p.G537S variant (also known as c.1609G>A), located in coding exon 13 of the JAG1 gene, results from a G to A substitution at nucleotide position 1609. The glycine at codon 537 is replaced by serine, an amino acid with similar properties. This amino acid position is conserved. In addition, this alteration is predicted to be deleterious by in silico analysis. Since supporting evidence is limited at this time, the clinical significance of this alteration remains unclear.

GeneDx
Classification: Uncertain significance. Last evaluated: 2018-05-08. Review status: criteria provided, single submitter. Criteria: GeneDx Variant Classification (06012015). Collection method: clinical testing. Allele origin: germline. Affected: yes.
Comment: The G537S variant has not been published as a pathogenic variant, nor has it been reported as a benign variant to our knowledge. The variant is observed in 2/15304 (0.0131%) alleles from individuals of African background (Lek et al., 2016). The variant is a non-conservative amino acid substitution, which is likely to impact secondary protein structure as these residues differ in polarity, charge, size and/or other properties. In-silico analyses, including protein predictors and evolutionary conservation, support a deleterious effect. In summary, based on the currently available information, it is unclear whether this variant is a pathogenic variant or a rare benign variant.